The following is an entry in ClinVar:

Single allele

Genes: FGF14 (fibroblast growth factor 14; minus strand), MIR2681 (microRNA 2681; minus strand), LOC124946331 (Sharpr-MPRA regulatory region 11112; plus strand). Cytogenetic location: 13q33.1.
Variant type: Deletion.
Identifiers: ClinVar variation 560058 (VCV000560058.3).

ClinVar aggregate classification (germline): Likely pathogenic (1 of 4 stars; one submission).

Conditions:
Spinocerebellar ataxia type 27 (SCA27). Identifiers: Orphanet 98764, MedGen C1836383, MONDO:0012247.

Submission:

Geisinger Autism and Developmental Medicine Institute, Geisinger Health System
Classification: Likely pathogenic for Spinocerebellar ataxia 27A. Last evaluated: 2017-07-29. Review status: criteria provided, single submitter. Criteria: ACMG CNV Guidelines, 2011. Collection method: provider interpretation. Allele origin: unknown.
Comment: Parental testing was not completed. There are reports of individuals with FGF14-related cerebellar ataxia not presenting with motor abnormalities until later in childhood, so the patient will continue to be monitored.

Literature cited by the submitters: PubMed 12489043; PubMed 194719761; PubMed 5470364.